The following is an entry in ClinVar:

ClinVar aggregate classification (germline): Uncertain significance. Review status: criteria provided, multiple submitters, no conflicts (2 of 4 stars). 2 submissions from 2 submitters: Uncertain significance (2). Last evaluated 2024-08-10.

Conditions:
Leukocyte adhesion deficiency 1 (LAD1). Also called: LAD 1; Lymphocyte function-associated antigen 1 immunodeficiency; LFA 1 immunodeficiency; LEUKOCYTE ADHESION DEFICIENCY, TYPE I. Identifiers: Orphanet 2968, Orphanet 99842, MedGen C0398738, MONDO:0007293, OMIM 116920.

gnomAD v4.1: 12 of 1,612,916 alleles (0.00074%); highest among the groups gnomAD compares: Middle Eastern, 0.033%; no homozygotes.

Submissions (2):

Labcorp Genetics (formerly Invitae), Labcorp
Classification: Uncertain significance for Leukocyte adhesion deficiency 1. Last evaluated: 2024-08-10. Review status: criteria provided, single submitter. Criteria: Invitae Variant Classification Sherloc (09022015). Collection method: clinical testing. Allele origin: germline.
Comment: This sequence change replaces leucine, which is neutral and non-polar, with valine, which is neutral and non-polar, at codon 611 of the ITGB2 protein (p.Leu611Val). This variant is present in population databases (rs774383684, gnomAD 0.003%). This variant has not been reported in the literature in individuals affected with ITGB2-related conditions. Advanced modeling of protein sequence and biophysical properties (such as structural, functional, and spatial information, amino acid conservation, physicochemical variation, residue mobility, and thermodynamic stability) has been performed at Invitae for this missense variant, however the output from this modeling did not meet the statistical confidence thresholds required to predict the impact of this variant on ITGB2 protein function. In summary, the available evidence is currently insufficient to determine the role of this variant in disease. Therefore, it has been classified as a Variant of Uncertain Significance.

Blueprint Genetics
Classification: Uncertain significance. Last evaluated: 2017-06-05. Review status: criteria provided, single submitter. Criteria: ACMG Guidelines, 2015. Collection method: clinical testing. Allele origin: germline.

NM_000211.5(ITGB2):c.1831C>G (p.Leu611Val)

Gene: ITGB2 (integrin subunit beta 2; minus strand). Cytogenetic location: 21q22.3.
Variant type: single nucleotide variant.
Coding change: c.1831C>G on transcript NM_000211.5 (MANE Select); coding-DNA position 1831, C replaced by G.
Protein change: p.Leu611Val; replaces leucine 611 with valine.
Molecular consequence: missense variant.
Genome position (GRCh38, 1-based): chr21:44,889,322, G>C on the plus strand (C>G on the coding strand, the complement: ITGB2 is on the minus strand). VCF-style: chr21-44889322-G-C. GRCh37 (hg19) VCF-style: chr21-46309237-G-C.
Other names: c.1831C>G, p.Leu611Val (NM_001127491.3); c.1624C>G, p.Leu542Val (NM_001303238.2); short protein forms L542V, L611V.
Identifiers: ClinVar variation 3612179 (VCV003612179.2).